The following is an entry in ClinVar:

NM_030662.4(MAP2K2):c.1167G>A (p.Leu389=)

Gene: MAP2K2 (mitogen-activated protein kinase kinase 2; minus strand). Cytogenetic location: 19p13.3.
Variant type: single nucleotide variant.
Coding change: c.1167G>A on transcript NM_030662.4 (MANE Select); coding-DNA position 1167, G replaced by A.
Protein change: p.Leu389=; no amino-acid change (leucine 389 retained).
Molecular consequence: synonymous variant.
Genome position (GRCh38, 1-based): chr19:4,090,634, C>T on the plus strand (G>A on the coding strand, the complement: MAP2K2 is on the minus strand). VCF-style: chr19-4090634-C-T. GRCh37 (hg19) VCF-style: chr19-4090632-C-T.
Identifiers: ClinVar variation 513229 (VCV000513229.5), dbSNP rs1473228474, ClinGen allele CA504984316.

ClinVar aggregate classification (germline): Likely benign. Review status: criteria provided, multiple submitters, no conflicts (2 of 4 stars). 3 submissions from 3 submitters: Likely benign (3). Last evaluated 2024-05-19.

Conditions:
Cardiovascular phenotype. Identifiers: MedGen CN230736.
RASopathy. Also called: Noonan spectrum disorder; rasopathies. Identifiers: Orphanet 536391, MedGen C5555857, MONDO:0021060.

Allele frequency attached by ClinVar (database versions not stated): gnomAD exomes below 0.00001 and 0.00001; gnomAD 0.00001; TOPMed 0.00001.
gnomAD v4.1: 5 of 1,554,854 alleles (0.00032%); highest among the groups gnomAD compares: East Asian, 0.0024%; no homozygotes.

Submissions (3):

Labcorp Genetics (formerly Invitae), Labcorp
Classification: Likely benign for RASopathy. Last evaluated: 2024-05-19. Review status: criteria provided, single submitter. Criteria: Invitae Variant Classification Sherloc (09022015). Collection method: clinical testing. Allele origin: germline.

Ambry Genetics
Classification: Likely benign for Cardiovascular phenotype. Last evaluated: 2019-07-01. Review status: criteria provided, single submitter. Criteria: Ambry Variant Classification Scheme 2023. Collection method: clinical testing. Allele origin: germline.

GeneDx
Classification: Likely benign. Last evaluated: 2017-11-03. Review status: criteria provided, single submitter. Criteria: GeneDx Variant Classification (06012015). Collection method: clinical testing. Allele origin: germline. Affected: yes.
Comment: This variant is considered likely benign or benign based on one or more of the following criteria: it is a conservative change, it occurs at a poorly conserved position in the protein, it is predicted to be benign by multiple in silico algorithms, and/or has population frequency not consistent with disease.